The following is an entry in ClinVar:

NM_017433.5(MYO3A):c.1262A>T (p.Tyr421Phe)

Gene: MYO3A (myosin IIIA; plus strand). Cytogenetic location: 10p12.1.
Variant type: single nucleotide variant.
Coding change: c.1262A>T on transcript NM_017433.5 (MANE Select); coding-DNA position 1262, A replaced by T.
Protein change: p.Tyr421Phe; replaces tyrosine 421 with phenylalanine.
Molecular consequence: missense variant.
Genome position (GRCh38, 1-based): chr10:26,070,202, A>T. VCF-style: chr10-26070202-A-T. GRCh37 (hg19) VCF-style: chr10-26359131-A-T.
Other names: short protein forms Y421F.
Identifiers: ClinVar variation 1311295 (VCV001311295.2), dbSNP rs2131387885, ClinGen allele CA376334189.

ClinVar aggregate classification (germline): Uncertain significance (1 of 4 stars; one submission).

gnomAD v4.1: 1 of 1,609,254 alleles (0.000062%); highest among the groups gnomAD compares: Middle Eastern, 0.017%; no homozygotes.

Submission:

GeneDx
Classification: Uncertain significance. Last evaluated: 2019-12-19. Review status: criteria provided, single submitter. Criteria: GeneDx Variant Classification Process June 2021. Collection method: clinical testing. Allele origin: germline. Affected: yes.
Comment: Not observed in large population cohorts (Lek et al., 2016); In silico analysis, which includes protein predictors and evolutionary conservation, supports that this variant does not alter protein structure/function; Has not been previously published as pathogenic or benign to our knowledge